The following is an entry in ClinVar:

ClinVar aggregate classification (germline): Benign. Review status: criteria provided, multiple submitters, no conflicts (2 of 4 stars). 3 submissions from 3 submitters: Benign (2). 1 of the submissions does not count toward it. Last evaluated 2026-01-28.

Conditions:
ADSS1-related disorder. Also called: ADSS1-related condition.

Allele frequency attached by ClinVar (database versions not stated): gnomAD exomes 0.00021 and 0.00057; ExAC 0.00077; gnomAD 0.00228 and 0.00241; ESP Exome Variant Server 0.00238; TOPMed 0.00255; 1000 Genomes Project 0.00300; 1000 Genomes Project 30x 0.00328.
gnomAD v4.1: 651 of 1,610,040 alleles (0.04%); highest among the groups gnomAD compares: African/African-American, 0.78%; 1 homozygote.

Submissions (3):

Labcorp Genetics (formerly Invitae), Labcorp
Classification: Benign. Last evaluated: 2026-01-28. Review status: criteria provided, single submitter. Criteria: Invitae Variant Classification Sherloc (09022015). Collection method: clinical testing. Allele origin: germline.

Breakthrough Genomics
Classification: Benign. Review status: criteria provided, single submitter. Criteria: ACMG Guidelines, 2015. Collection method: not provided. Allele origin: germline. Inheritance: Autosomal recessive inheritance. Affected: yes.

PreventionGenetics, part of Exact Sciences
Classification: Benign for ADSS1-related condition. Last evaluated: 2020-02-26. Review status: no assertion criteria provided. Collection method: clinical testing. Allele origin: germline. Not counted in ClinVar's aggregate classification.
Comment: This variant is classified as benign based on ACMG/AMP sequence variant interpretation guidelines (Richards et al. 2015 PMID: 25741868, with internal and published modifications).

NM_152328.5(ADSS1):c.1073C>T (p.Ala358Val)

Gene: ADSS1 (adenylosuccinate synthase 1; plus strand). Cytogenetic location: 14q32.33.
Variant type: single nucleotide variant.
Coding change: c.1073C>T on transcript NM_152328.5 (MANE Select); coding-DNA position 1073, C replaced by T.
Protein change: p.Ala358Val; replaces alanine 358 with valine.
Molecular consequence: missense variant.
Genome position (GRCh38, 1-based): chr14:104,743,191, C>T. VCF-style: chr14-104743191-C-T. GRCh37 (hg19) VCF-style: chr14-105209528-C-T.
Other names: c.458C>T, p.Ala153Val (NM_001320424.1); c.1202C>T, p.Ala401Val (NM_199165.2); short protein forms A153V, A358V, A401V.
Identifiers: ClinVar variation 1682000 (VCV001682000.11), dbSNP rs139545166, ClinGen allele CA7373993.